The following is an entry in ClinVar:

ClinVar aggregate classification (germline): Pathogenic. Review status: criteria provided, multiple submitters, no conflicts (2 of 4 stars). 11 submissions from 11 submitters: Pathogenic (11). Last evaluated 2026-02-26.

Conditions:
Respiratory ciliopathies including non-CF bronchiectasis.
DNAH11-related disorder. Also called: DNAH11-related condition.
Primary ciliary dyskinesia. Also called: Ciliary dyskinesia. Identifiers: Orphanet 244, MedGen C0008780, MONDO:0016575, HP:0012265.
Primary ciliary dyskinesia 7. Also called: CILIARY DYSKINESIA, PRIMARY, 7, WITH OR WITHOUT SITUS INVERSUS. Identifiers: Orphanet 244, MedGen C2678473, MONDO:0012748, OMIM 611884.

Allele frequency attached by ClinVar (database versions not stated): TOPMed 0.00006; gnomAD 0.00008 and 0.00009; gnomAD exomes 0.00008; ExAC 0.00012; ESP Exome Variant Server 0.00016.
gnomAD v4.1: 254 of 1,612,146 alleles (0.016%); highest among the groups gnomAD compares: Non-Finnish European, 0.019%; no homozygotes.

Submissions (11):

NHS Central & South Genomic Laboratory Hub
Classification: Pathogenic for Respiratory ciliopathies including non-CF bronchiectasis. Last evaluated: 2026-02-26. Review status: criteria provided, single submitter. Criteria: ACMG Guidelines, 2015. Collection method: clinical testing. Allele origin: germline. Affected: yes.

Labcorp Genetics (formerly Invitae), Labcorp
Classification: Pathogenic for Primary ciliary dyskinesia. Last evaluated: 2025-07-13. Review status: criteria provided, single submitter. Criteria: Invitae Variant Classification Sherloc (09022015). Collection method: clinical testing. Allele origin: germline.
Comment: This sequence change creates a premature translational stop signal (p.Arg2243*) in the DNAH11 gene. It is expected to result in an absent or disrupted protein product. Loss-of-function variants in DNAH11 are known to be pathogenic (PMID: 18022865, 20513915, 22184204). This variant is present in population databases (rs201943194, gnomAD 0.02%). This premature translational stop signal has been observed in individual(s) with primary ciliary dyskinesia (PMID: 26729821, 31607746). ClinVar contains an entry for this variant (Variation ID: 289324). For these reasons, this variant has been classified as Pathogenic.

PreventionGenetics, part of Exact Sciences
Classification: Pathogenic for DNAH11-related condition. Last evaluated: 2025-06-30. Review status: criteria provided, single submitter. Criteria: ACMG Guidelines, 2015. Collection method: clinical testing. Allele origin: germline.
Comment: The DNAH11 c.6727C>T variant is predicted to result in premature protein termination (p.Arg2243*). This variant has been reported in the compound heterozygous state in individuals with primary ciliary dyskinesia (described as p.R2250* in Lai et al. 2016. PubMed ID: 26729821; Table S4, Lee et al. 2020. PubMed ID: 31607746). This variant is reported in 0.020% of alleles in individuals of South Asian descent in gnomAD. Nonsense variants in DNAH11 are expected to be pathogenic. This variant is interpreted as pathogenic.

Ambry Genetics
Classification: Pathogenic for Primary ciliary dyskinesia. Last evaluated: 2025-04-13. Review status: criteria provided, single submitter. Criteria: Ambry Variant Classification Scheme 2023. Collection method: clinical testing. Allele origin: germline.
Comment: The p.R2243* pathogenic mutation (also known as c.6727C>T), located in coding exon 41 of the DNAH11 gene, results from a C to T substitution at nucleotide position 6727. This changes the amino acid from an arginine to a stop codon within coding exon 41. This variant (referred to as p.R2250*) has been identified in the homozygous state and/or in conjunction with other DNAH11 variant(s) in individual(s) with features consistent with primary ciliary diskenesia (Lai M et al. J. Med. Genet. 2016 Apr;53(4):242-9). This alteration is expected to result in loss of function by premature protein truncation or nonsense-mediated mRNA decay. As such, this alteration is interpreted as a disease-causing mutation.

Women's Health and Genetics/Laboratory Corporation of America, LabCorp
Classification: Pathogenic for Primary ciliary dyskinesia 7. Last evaluated: 2025-04-09. Review status: criteria provided, single submitter. Criteria: LabCorp Variant Classification Summary - May 2015. Collection method: clinical testing. Allele origin: germline.
Comment: Variant summary: DNAH11 c.6727C>T (p.Arg2243X) results in a premature termination codon, predicted to cause a truncation of the encoded protein or absence of the protein due to nonsense mediated decay, which are commonly known mechanisms for disease. The variant allele was found at a frequency of 8.5e-05 in 248072 control chromosomes. This frequency is not significantly higher than estimated for a pathogenic variant in DNAH11 causing Primary Ciliary Dyskinesia 7, allowing no conclusion about variant significance. c.6727C>T has been reported in the literature in individuals affected with Primary Ciliary Dyskinesia 7 (Lee_2020). To our knowledge, no experimental evidence demonstrating an impact on protein function has been reported. The following publication have been ascertained in the context of this evaluation (PMID: 31607746). ClinVar contains an entry for this variant (Variation ID: 289324). Based on the evidence outlined above, the variant was classified as pathogenic.

Fulgent Genetics
Classification: Pathogenic for Primary ciliary dyskinesia 7. Last evaluated: 2024-04-06. Review status: criteria provided, single submitter. Criteria: ACMG Guidelines, 2015. Collection method: clinical testing. Allele origin: germline.

3billion
Classification: Pathogenic for Primary ciliary dyskinesia 7. Last evaluated: 2023-12-26. Review status: criteria provided, single submitter. Criteria: ACMG Guidelines, 2015. Collection method: clinical testing. Allele origin: germline. Affected: yes.
Comment: The variant is observed at an extremely low frequency in the gnomAD v2.1.1 dataset (total allele frequency: 0.009%). Predicted Consequence/Location: Stop-gained (nonsense): predicted to result in a loss or disruption of normal protein function through nonsense-mediated decay (NMD) or protein truncation. Multiple pathogenic variants are reported downstream of the variant. The variant has been reported at least twice as pathogenic with clinical assertions and evidence for the classification (ClinVar ID: VCV000289324 /PMID: 26729821). Therefore, this variant is classified as Pathogenic according to the recommendation of ACMG/AMP guideline.

GeneDx
Classification: Pathogenic. Last evaluated: 2021-11-13. Review status: criteria provided, single submitter. Criteria: GeneDx Variant Classification Process June 2021. Collection method: clinical testing. Allele origin: germline. Affected: yes.
Comment: Nonsense variant predicted to result in protein truncation or nonsense mediated decay in a gene for which loss-of-function is a known mechanism of disease; This variant is associated with the following publications: (PMID: 33715250, 31607746, 26729821, 31589614)

Cambridge Genomics Laboratory, East Genomic Laboratory Hub, NHS Genomic Medicine Service
Classification: Pathogenic for Primary ciliary dyskinesia. Last evaluated: 2020-01-21. Review status: criteria provided, single submitter. Criteria: ACGS Best Practice Guidelines for Variant Classification in Rare Disease 2020. Collection method: clinical testing. Allele origin: germline. Affected: yes. Observed: 1 variant allele.

Eurofins Ntd Llc (ga)
Classification: Pathogenic. Last evaluated: 2016-07-12. Review status: criteria provided, single submitter. Criteria: EGL Classification Definitions 2015. Collection method: clinical testing. Allele origin: germline. Observed: 1 variant allele, 1 heterozygote.

Undiagnosed Diseases Network, NIH
Classification: Pathogenic for Primary ciliary dyskinesia 7. Last evaluated: 2016-05-14. Review status: criteria provided, single submitter. Criteria: ACMG Guidelines, 2015. Collection method: clinical testing. Allele origin: maternal. Inheritance: Autosomal recessive inheritance. Affected: yes. Observed: 1 compound heterozygote.
Comment: Sent a nasal biopsy for ciliary beat frequency analysis and results came back inconclusive, but beating pattern was analgous to other DNAH11 mutation beating patterns.

Literature cited by the submitters: PubMed 18022865 (cited by Labcorp Genetics (formerly Invitae), Labcorp); PubMed 20513915 (cited by Labcorp Genetics (formerly Invitae), Labcorp); PubMed 22184204 (cited by Labcorp Genetics (formerly Invitae), Labcorp); PubMed 26729821 (cited by 3 submitters); PubMed 31607746 (cited by Labcorp Genetics (formerly Invitae), Labcorp and Women's Health and Genetics/Laboratory Corporation of America, LabCorp).

NM_001277115.2(DNAH11):c.6727C>T (p.Arg2243Ter)

Gene: DNAH11 (dynein axonemal heavy chain 11; plus strand). Cytogenetic location: 7p15.3.
Variant type: single nucleotide variant.
Coding change: c.6727C>T on transcript NM_001277115.2 (MANE Select); coding-DNA position 6727, C replaced by T.
Protein change: p.Arg2243Ter; replaces arginine 2243 with a stop codon.
Molecular consequence: nonsense.
Genome position (GRCh38, 1-based): chr7:21,710,596, C>T. VCF-style: chr7-21710596-C-T. GRCh37 (hg19) VCF-style: chr7-21750214-C-T.
Other names: short protein forms R2243*.
Identifiers: ClinVar variation 289324 (VCV000289324.27), dbSNP rs201943194, ClinGen allele CA4180969.